The following is an entry in ClinVar:

ClinVar aggregate classification (germline): Uncertain significance. Review status: criteria provided, multiple submitters, no conflicts (2 of 4 stars). 2 submissions from 2 submitters: Uncertain significance (2). Last evaluated 2025-08-20.

Conditions:
Hereditary cancer-predisposing syndrome. Also called: Neoplastic Syndromes, Hereditary; Tumor predisposition; Hereditary Cancer Syndrome; Hereditary neoplastic syndrome. Identifiers: Orphanet 140162, MedGen C0027672, MeSH D009386, MONDO:0015356.

Allele frequency attached by ClinVar (database versions not stated): gnomAD exomes below 0.00001.
gnomAD v4.1: 2 of 1,614,116 alleles (0.00012%); highest among the groups gnomAD compares: Non-Finnish European, 0.00017%; no homozygotes.

Submissions (2):

Ambry Genetics
Classification: Uncertain significance for Hereditary cancer-predisposing syndrome. Last evaluated: 2025-08-20. Review status: criteria provided, single submitter. Criteria: Ambry Variant Classification Scheme 2023. Collection method: clinical testing. Allele origin: germline.
Comment: The p.P605S variant (also known as c.1813C>T), located in coding exon 12 of the CTNNA1 gene, results from a C to T substitution at nucleotide position 1813. The proline at codon 605 is replaced by serine, an amino acid with similar properties. This amino acid position is well conserved in available vertebrate species. In addition, this alteration is predicted to be tolerated by in silico analysis. Since supporting evidence is limited at this time, the clinical significance of this alteration remains unclear.

Labcorp Genetics (formerly Invitae), Labcorp
Classification: Uncertain significance. Last evaluated: 2024-05-21. Review status: criteria provided, single submitter. Criteria: Invitae Variant Classification Sherloc (09022015). Collection method: clinical testing. Allele origin: germline.
Comment: This sequence change replaces proline, which is neutral and non-polar, with serine, which is neutral and polar, at codon 605 of the CTNNA1 protein (p.Pro605Ser). This variant is not present in population databases (gnomAD no frequency). This variant has not been reported in the literature in individuals affected with CTNNA1-related conditions. ClinVar contains an entry for this variant (Variation ID: 638930). Advanced modeling of protein sequence and biophysical properties (such as structural, functional, and spatial information, amino acid conservation, physicochemical variation, residue mobility, and thermodynamic stability) performed at Invitae indicates that this missense variant is not expected to disrupt CTNNA1 protein function with a negative predictive value of 80%. In summary, the available evidence is currently insufficient to determine the role of this variant in disease. Therefore, it has been classified as a Variant of Uncertain Significance.

NM_001903.5(CTNNA1):c.1813C>T (p.Pro605Ser)

Gene: CTNNA1 (catenin alpha 1; plus strand). Cytogenetic location: 5q31.2.
Variant type: single nucleotide variant.
Coding change: c.1813C>T on transcript NM_001903.5 (MANE Select); coding-DNA position 1813, C replaced by T.
Protein change: p.Pro605Ser; replaces proline 605 with serine.
Molecular consequence: missense variant.
Genome position (GRCh38, 1-based): chr5:138,925,321, C>T. VCF-style: chr5-138925321-C-T. GRCh37 (hg19) VCF-style: chr5-138261010-C-T.
Other names: c.1813C>T, p.Pro605Ser (NM_001290307.3, NM_001323982.2, NM_001323983.1 and 2 more transcripts); c.1504C>T, p.Pro502Ser (NM_001290309.3); c.1444C>T, p.Pro482Ser (NM_001290310.3); c.703C>T, p.Pro235Ser (NM_001290312.1, NM_001323987.1, NM_001323988.1 and 17 more transcripts); c.1720C>T, p.Pro574Ser (NM_001323986.2); c.364C>T, p.Pro122Ser (NM_001324006.1, NM_001324007.1, NM_001324008.1 and 2 more transcripts); c.610C>T, p.Pro204Ser (NM_001324011.1); c.460C>T, p.Pro154Ser (NM_001324012.1, NM_001324013.1); short protein forms P154S, P204S, P235S, P605S, P574S, P482S, P502S, P122S.
Identifiers: ClinVar variation 638930 (VCV000638930.12), dbSNP rs1580861711, ClinGen allele CA361132255.